The following is an entry in ClinVar:

NM_000419.5(ITGA2B):c.2911C>A (p.Pro971Thr)

Gene: ITGA2B (integrin subunit alpha 2b; minus strand). Cytogenetic location: 17q21.31.
Variant type: single nucleotide variant.
Coding change: c.2911C>A on transcript NM_000419.5 (MANE Select); coding-DNA position 2911, C replaced by A.
Protein change: p.Pro971Thr; replaces proline 971 with threonine.
Molecular consequence: missense variant.
Genome position (GRCh38, 1-based): chr17:44,374,691, G>T on the plus strand (C>A on the coding strand, the complement: ITGA2B is on the minus strand). VCF-style: chr17-44374691-G-T. GRCh37 (hg19) VCF-style: chr17-42452059-G-T.
Other names: short protein forms P971T.
Identifiers: ClinVar variation 3286705 (VCV003286705.3).
Genomic context (GRCh38, chr17:44,374,691, plus strand): 5'-GGTCTCTGCTCCATCCCCCCACACTCACCTGAGCTTCCCCTCGGGGCAGGCTGAGCGGGG[G>T]CACCGCATAGGGGAGGGAGGACACGTTGAACCATGCGTGCGACTGCAGCACAAACTGATC-3'
Protein context (NP_000410.2, residues 961-981): FNVSSLPYAV[Pro971Thr]PLSLPRGEAQ

ClinVar aggregate classification (germline): Uncertain significance. Review status: criteria provided, multiple submitters, no conflicts (2 of 4 stars). 2 submissions from 2 submitters: Uncertain significance (2). Last evaluated 2025-07-21.

Conditions:
Glanzmann thrombasthenia. Also called: BLEEDING DISORDER, PLATELET-TYPE, 2; THROMBASTHENIA OF GLANZMANN AND NAEGELI; PLATELET GLYCOPROTEIN IIb-IIIa DEFICIENCY; Thrombasthenia; Glanzmann's thrombasthenia. Identifiers: Orphanet 849, MedGen C0040015, MONDO:0100326.
Inborn genetic diseases. Identifiers: MedGen C0950123, MeSH D030342.

gnomAD v4.1: 17 of 1,613,908 alleles (0.0011%); highest among the groups gnomAD compares: Non-Finnish European, 0.0014%; no homozygotes.

Submissions (2):

Labcorp Genetics (formerly Invitae), Labcorp
Classification: Uncertain significance for Glanzmann thrombasthenia. Last evaluated: 2025-07-21. Review status: criteria provided, single submitter. Criteria: Invitae Variant Classification Sherloc (09022015). Collection method: clinical testing. Allele origin: germline.
Comment: This sequence change replaces proline, which is neutral and non-polar, with threonine, which is neutral and polar, at codon 971 of the ITGA2B protein (p.Pro971Thr). This variant is not present in population databases (gnomAD no frequency). This variant has not been reported in the literature in individuals affected with ITGA2B-related conditions. ClinVar contains an entry for this variant (Variation ID: 3286705). Invitae Evidence Modeling of protein sequence and biophysical properties (such as structural, functional, and spatial information, amino acid conservation, physicochemical variation, residue mobility, and thermodynamic stability) has been performed for this missense variant. However, the output from this modeling did not meet the statistical confidence thresholds required to predict the impact of this variant on ITGA2B protein function. In summary, the available evidence is currently insufficient to determine the role of this variant in disease. Therefore, it has been classified as a Variant of Uncertain Significance.

Ambry Genetics
Classification: Uncertain significance for Inborn genetic diseases. Last evaluated: 2024-04-23. Review status: criteria provided, single submitter. Criteria: Ambry Variant Classification Scheme 2023. Collection method: clinical testing. Allele origin: germline.